The following is an entry in ClinVar:

ClinVar aggregate classification (germline): Uncertain significance. Review status: criteria provided, multiple submitters, no conflicts (2 of 4 stars). 2 submissions from 2 submitters: Uncertain significance (2). Last evaluated 2024-12-10.

Conditions:
Familial Mediterranean fever (FMF). Also called: POLYSEROSITIS, FAMILIAL PAROXYSMAL; POLYSEROSITIS, RECURRENT; Periodic peritonitis; Benign paroxysmal peritonitis. Identifiers: Orphanet 342, MedGen C0031069, MONDO:0018088, OMIM 249100. Disease mechanism: gain of function.

Submissions (2):

Women's Health and Genetics/Laboratory Corporation of America, LabCorp
Classification: Uncertain significance. Last evaluated: 2024-12-10. Review status: criteria provided, single submitter. Criteria: LabCorp Variant Classification Summary - May 2015. Collection method: clinical testing. Allele origin: germline.
Comment: Variant summary: MEFV c.1854G>C (p.Lys618Asn) results in a non-conservative amino acid change located in the B30.2/SPRY domain (IPR001870) of the encoded protein sequence. Three of five in-silico tools predict a damaging effect of the variant on protein function. The variant was absent in 238518 control chromosomes. c.1854G>C has been reported in the literature in homozygous and heterozygous individuals affected with Familial Mediterranean Fever (Mohammadnejad_2013). These data indicate that the variant may be associated with disease. To our knowledge, no experimental evidence demonstrating an impact on protein function has been reported. The following publication has been ascertained in the context of this evaluation (PMID: 23862117). ClinVar contains an entry for this variant (Variation ID: 803183). Based on the evidence outlined above, the variant was classified as VUS-possibly pathogenic.

Mendelics
Classification: Uncertain significance for Familial Mediterranean fever. Last evaluated: 2019-05-28. Review status: criteria provided, single submitter. Criteria: Mendelics Assertion Criteria 2017. Collection method: clinical testing. Allele origin: unknown.

Literature cited by the submitters: PubMed 23862117 (cited by Women's Health and Genetics/Laboratory Corporation of America, LabCorp).

NM_000243.3(MEFV):c.1854G>C (p.Lys618Asn)

Genes: MEFV (MEFV innate immunity regulator, pyrin; minus strand), LOC126862264 (CDK7 strongly-dependent group 2 enhancer GRCh37_chr16:3293322-3294521; plus strand). Cytogenetic location: 16p13.3.
Variant type: single nucleotide variant.
Coding change: c.1854G>C on transcript NM_000243.3 (MANE Select); coding-DNA position 1854, G replaced by C.
Protein change: p.Lys618Asn; replaces lysine 618 with asparagine.
Molecular consequence: missense variant. On other transcripts: 3 prime UTR variant (1).
Genome position (GRCh38, 1-based): chr16:3,243,633, C>G on the plus strand (G>C on the coding strand, the complement: MEFV is on the minus strand). VCF-style: chr16-3243633-C-G. GRCh37 (hg19) VCF-style: chr16-3293633-C-G.
Other names: c.*58G>C (NM_001198536.2); short protein forms K618N.
Identifiers: ClinVar variation 803183 (VCV000803183.2), dbSNP rs766576175, ClinGen allele CA394488199.
Genomic context (GRCh38, chr16:3,243,633, plus strand): 5'-GCTGTCAAATCTTTGCGGGCCATCAGGCAGCCTCTCCCACTTGTTTCCAAGTCTAACACT[C>G]TTCAGATCATCAGAGAAGATGAGGTTGGGGTAAGCGGTTTCTGCATCCAGAATCACATTA-3'
Protein context (NP_000234.1, residues 608-628): YPNLIFSDDL[Lys618Asn]SVRLGNKWER